The following is an entry in ClinVar:

NM_152906.7(TANGO2):c.56+148C>T

Gene: TANGO2 (transport and golgi organization 2 homolog; plus strand). Cytogenetic location: 22q11.21.
Variant type: single nucleotide variant.
Coding change: c.56+148C>T on transcript NM_152906.7 (MANE Select); 148 bases into the intron after coding-DNA position 56, C replaced by T.
Molecular consequence: intron variant. On other transcripts: synonymous variant (8), 5 prime UTR variant (4), non-coding transcript variant (1).
Genome position (GRCh38, 1-based): chr22:20,037,002, C>T. VCF-style: chr22-20037002-C-T. GRCh37 (hg19) VCF-style: chr22-20024525-C-T.
Other names: c.87C>T, p.His29= (NM_001283129.3, NM_001283215.3, NM_001322141.2 and 5 more transcripts); c.-216C>T (NM_001322148.2, NM_001322150.2, NM_001322172.2 and 1 more transcripts); c.56+148C>T (NM_001283106.3, NM_001322163.2, NM_001283179.3 and 10 more transcripts); c.-124+148C>T (NM_001322174.2, NM_001322160.2, NM_001322175.2 and 5 more transcripts).
Identifiers: ClinVar variation 673860 (VCV000673860.3), dbSNP rs183601770, ClinGen allele CA10106148.

ClinVar aggregate classification (germline): Likely benign. Review status: criteria provided, multiple submitters, no conflicts (2 of 4 stars). 3 submissions from 3 submitters: Likely benign (3). Last evaluated 2021-12-21.

Conditions:
Recurrent metabolic encephalomyopathic crises-rhabdomyolysis-cardiac arrhythmia-intellectual disability syndrome (MECRCN). Also called: METABOLIC CRISES, RECURRENT, WITH RHABDOMYOLYSIS, CARDIAC ARRHYTHMIAS, AND NEURODEGENERATION; TANGO2 Deficiency; Metabolic encephalomyopathic crises, recurrent, with rhabdomyolysis, cardiac arrhythmias, and neurodegeneration. Identifiers: Orphanet 480864, MedGen C5567524, MONDO:0018820, OMIM 616878.

Allele frequency attached by ClinVar (database versions not stated): ESP Exome Variant Server 0.00349; gnomAD exomes 0.00387 and 0.00523; 1000 Genomes Project 0.00519; gnomAD 0.00243 and 0.00299; ExAC 0.00531; 1000 Genomes Project 30x 0.00515; TOPMed 0.00247.
gnomAD v4.1: 6,146 of 1,594,980 alleles (0.39%); highest among the groups gnomAD compares: South Asian, 2%; 47 homozygotes.

Submissions (3):

Fulgent Genetics
Classification: Likely benign for Recurrent metabolic encephalomyopathic crises-rhabdomyolysis-cardiac arrhythmia-intellectual disability syndrome. Last evaluated: 2021-12-21. Review status: criteria provided, single submitter. Criteria: ACMG Guidelines, 2015. Collection method: clinical testing. Allele origin: unknown.

GeneDx
Classification: Likely benign. Last evaluated: 2018-06-16. Review status: criteria provided, single submitter. Criteria: GeneDx Variant Classification (06012015). Collection method: clinical testing. Allele origin: germline. Affected: yes.
Comment: This variant is considered likely benign or benign based on one or more of the following criteria: it is a conservative change, it occurs at a poorly conserved position in the protein, it is predicted to be benign by multiple in silico algorithms, and/or has population frequency not consistent with disease.

Breakthrough Genomics
Classification: Likely benign. Review status: criteria provided, single submitter. Criteria: ACMG Guidelines, 2015. Collection method: not provided. Allele origin: germline. Inheritance: Autosomal recessive inheritance. Affected: yes.